The following is an entry in ClinVar:

NM_014747.3(RIMS3):c.217+10C>A

Gene: RIMS3 (regulating synaptic membrane exocytosis 3; minus strand). Cytogenetic location: 1p34.2.
Variant type: single nucleotide variant.
Coding change: c.217+10C>A on transcript NM_014747.3 (MANE Select); 10 bases into the intron after coding-DNA position 217, C replaced by A.
Molecular consequence: intron variant.
Genome position (GRCh38, 1-based): chr1:40,641,699, G>T on the plus strand (C>A on the coding strand, the complement: RIMS3 is on the minus strand). VCF-style: chr1-40641699-G-T. GRCh37 (hg19) VCF-style: chr1-41107371-G-T.
Identifiers: ClinVar variation 3040707 (VCV003040707.2), dbSNP rs200776965, ClinGen allele CA793933.
Genomic context (GRCh38, chr1:40,641,699, plus strand): 5'-CAGTCCCTGGGTAGTCTGTCTTTGCGAAGTGTCCCCCACCTCTACCCCGTGATGTCCCAT[G>T]CCCCCTCACCAGGCTGCGGAAGCTGGAGTGTGCTCTTGCTCCACTGAGTCAGGCCCACGA-3'

ClinVar aggregate classification (germline): Likely benign (0 of 4 stars; one submission).

Conditions:
RIMS3-related disorder. Also called: RIMS3-related condition.

Allele frequency attached by ClinVar (database versions not stated): gnomAD 0.00046; TOPMed 0.00048; ExAC 0.00057; ESP Exome Variant Server 0.00062.
gnomAD v4.1: 1,136 of 1,613,628 alleles (0.07%); highest among the groups gnomAD compares: Middle Eastern, 0.18%; 1 homozygote.

Submission:

PreventionGenetics, part of Exact Sciences
Classification: Likely benign for RIMS3-related condition. Last evaluated: 2019-10-14. Review status: no assertion criteria provided. Collection method: clinical testing. Allele origin: germline.
Comment: This variant is classified as likely benign based on ACMG/AMP sequence variant interpretation guidelines (Richards et al. 2015 PMID: 25741868, with internal and published modifications).